The following is an entry in ClinVar:

ClinVar aggregate classification (germline): Uncertain significance (1 of 4 stars; one submission).

Conditions:
Adams-Oliver syndrome 5 (AOS5). Identifiers: Orphanet 974, MedGen C4014970, MONDO:0014459, OMIM 616028.

Submission:

Labcorp Genetics (formerly Invitae), Labcorp
Classification: Uncertain significance for Adams-Oliver syndrome 5. Last evaluated: 2025-05-01. Review status: criteria provided, single submitter. Criteria: Invitae Variant Classification Sherloc (09022015). Collection method: clinical testing. Allele origin: germline.
Comment: This sequence change replaces tyrosine, which is neutral and polar, with histidine, which is basic and polar, at codon 550 of the NOTCH1 protein (p.Tyr550His). This variant is not present in population databases (gnomAD no frequency). This variant has not been reported in the literature in individuals affected with NOTCH1-related conditions. ClinVar contains an entry for this variant (Variation ID: 2004323). Invitae Evidence Modeling of protein sequence and biophysical properties (such as structural, functional, and spatial information, amino acid conservation, physicochemical variation, residue mobility, and thermodynamic stability) has been performed for this missense variant. However, the output from this modeling did not meet the statistical confidence thresholds required to predict the impact of this variant on NOTCH1 protein function. In summary, the available evidence is currently insufficient to determine the role of this variant in disease. Therefore, it has been classified as a Variant of Uncertain Significance.

NM_017617.5(NOTCH1):c.1648T>C (p.Tyr550His)

Gene: NOTCH1 (notch receptor 1; minus strand). Cytogenetic location: 9q34.3.
Variant type: single nucleotide variant.
Coding change: c.1648T>C on transcript NM_017617.5 (MANE Select); coding-DNA position 1648, T replaced by C.
Protein change: p.Tyr550His; replaces tyrosine 550 with histidine.
Molecular consequence: missense variant.
Genome position (GRCh38, 1-based): chr9:136,516,002, A>G on the plus strand (T>C on the coding strand, the complement: NOTCH1 is on the minus strand). VCF-style: chr9-136516002-A-G. GRCh37 (hg19) VCF-style: chr9-139410454-A-G.
Other names: short protein forms Y550H.
Identifiers: ClinVar variation 2004323 (VCV002004323.4), dbSNP rs1843262478, ClinGen allele CA375560719.
Genomic context (GRCh38, chr9:136,516,002, plus strand): 5'-GTCCCCAGTCCCTCCCCGCTGGTGGGCGCCAGCCCGCACCTTCCGTGCACACACAGGTGT[A>G]AGTGTTGGGTCCGTCCAGGCACTTGGCACCATTCTTGCAGGGGGTGCTGGCACACTCGTC-3'
Protein context (NP_060087.3, residues 540-560): GAKCLDGPNT[Tyr550His]TCVCTEGYTG